The following is an entry in ClinVar:

NM_000135.4(FANCA):c.837C>T (p.Asp279=)

Gene: FANCA (FA complementation group A; minus strand). Cytogenetic location: 16q24.3.
Variant type: single nucleotide variant.
Coding change: c.837C>T on transcript NM_000135.4 (MANE Select); coding-DNA position 837, C replaced by T.
Protein change: p.Asp279=; no amino-acid change (aspartic acid 279 retained).
Molecular consequence: synonymous variant.
Genome position (GRCh38, 1-based): chr16:89,799,222, G>A on the plus strand (C>T on the coding strand, the complement: FANCA is on the minus strand). VCF-style: chr16-89799222-G-A. GRCh37 (hg19) VCF-style: chr16-89865630-G-A.
Other names: c.837C>T (NM_000135.3); c.837C>T, p.Asp279= (NM_001018112.3, NM_001286167.3); c.741C>T, p.Asp247= (NM_001351830.2).
Identifiers: ClinVar variation 698615 (VCV000698615.42), dbSNP rs752311383, ClinGen allele CA8252724.
Genomic context (GRCh38, chr16:89,799,222, plus strand): 5'-ATACCAGCACCTCACGATCTTGTGAGTGGAGGACTCCTCCTGTACTCCAGCAGCCAAAGC[G>A]TCAAGTGCAACTGAAGACAGAGCCAGGAACAGAAAACAGATGTCAGCACACGGCGGCAGC-3'
Protein context (NP_000126.2, residues 269-289): VLQRMLIFAL[Asp279=]ALAAGVQEES

ClinVar aggregate classification (germline): Conflicting classifications of pathogenicity. Review status: criteria provided, conflicting classifications (1 of 4 stars). 7 submissions from 7 submitters: Uncertain significance (1); Benign (1); Likely benign (4). 1 of the submissions does not count toward it. Last evaluated 2026-01-11.

Conditions:
Fanconi anemia (FA). Also called: Fanconi's anemia. Identifiers: Orphanet 84, MedGen C0015625, MeSH D005199, MONDO:0019391.
Fanconi anemia complementation group A (FANCA). Also called: Fanconi anemia, group A; FANCA-Related Fanconi Anemia. Identifiers: Orphanet 84, MedGen C3469521, MONDO:0009215, OMIM 227650.
Inborn genetic diseases. Identifiers: MedGen C0950123, MeSH D030342.

Allele frequency attached by ClinVar (database versions not stated): ExAC 0.00002; gnomAD exomes 0.00002; TOPMed 0.00005.
gnomAD v4.1: 69 of 1,613,940 alleles (0.0043%); highest among the groups gnomAD compares: Middle Eastern, 0.016%; no homozygotes.

Submissions (7):

Labcorp Genetics (formerly Invitae), Labcorp
Classification: Benign for Fanconi anemia. Last evaluated: 2026-01-11. Review status: criteria provided, single submitter. Criteria: Invitae Variant Classification Sherloc (09022015). Collection method: clinical testing. Allele origin: germline.

CeGaT Center for Human Genetics Tuebingen
Classification: Likely benign. Last evaluated: 2025-07-01. Review status: criteria provided, single submitter. Criteria: CeGaT Center For Human Genetics Tuebingen Variant Classification Criteria Version 2. Collection method: clinical testing. Allele origin: germline. Affected: yes. Observed: 2 variant alleles.
Comment: FANCA: BP4, BP7

Ambry Genetics
Classification: Likely benign for Inborn genetic diseases. Last evaluated: 2024-11-26. Review status: criteria provided, single submitter. Criteria: Ambry Variant Classification Scheme 2023. Collection method: clinical testing. Allele origin: germline.

Blueprint Genetics
Classification: Likely benign. Last evaluated: 2024-03-07. Review status: criteria provided, single submitter. Criteria: ACMG Guidelines, 2015. Collection method: clinical testing. Allele origin: germline.

Quest Diagnostics Nichols Institute San Juan Capistrano
Classification: Likely benign. Last evaluated: 2023-07-27. Review status: criteria provided, single submitter. Criteria: Quest Diagnostics criteria. Collection method: clinical testing. Allele origin: unknown.

Illumina Laboratory Services, Illumina
Classification: Uncertain significance for Fanconi anemia complementation group A. Last evaluated: 2018-01-13. Review status: criteria provided, single submitter. Criteria: ICSL Variant Classification Criteria 13 December 2019. Collection method: clinical testing. Allele origin: germline.

Natera, Inc.
Classification: Likely benign for Fanconi anemia, group A. Last evaluated: 2020-05-05. Review status: no assertion criteria provided. Collection method: clinical testing. Allele origin: germline. Not counted in ClinVar's aggregate classification.